The following is an entry in ClinVar:

NM_001363538.2(TCAF2):c.1013C>T (p.Ala338Val)

Gene: TCAF2 (TRPM8 channel associated factor 2; plus strand). Cytogenetic location: 7q35.
Variant type: single nucleotide variant.
Coding change: c.1013C>T on transcript NM_001363538.2 (MANE Select); coding-DNA position 1013, C replaced by T.
Protein change: p.Ala338Val; replaces alanine 338 with valine.
Molecular consequence: missense variant.
Genome position (GRCh38, 1-based): chr7:143,720,072, C>T. VCF-style: chr7-143720072-C-T. GRCh37 (hg19) VCF-style: chr7-143417165-C-T.
Other names: c.521C>T, p.Ala174Val (NM_001130026.3); c.170C>T, p.Ala57Val (NM_001365428.1); c.1013C>T, p.Ala338Val (NM_001365429.2, NM_001365430.1, NM_173678.3); short protein forms A174V, A338V, A57V.
Identifiers: ClinVar variation 3771155 (VCV003771155.13).

ClinVar aggregate classification (germline): Likely benign (1 of 4 stars; one submission).

Submission:

CeGaT Center for Human Genetics Tuebingen
Classification: Likely benign. Last evaluated: 2025-02-01. Review status: criteria provided, single submitter. Criteria: CeGaT Center For Human Genetics Tuebingen Variant Classification Criteria Version 2. Collection method: clinical testing. Allele origin: germline. Affected: yes. Observed: 1 variant allele.
Comment: TCAF2: BP4